The following is an entry in ClinVar:

ClinVar aggregate classification (germline): Likely benign. Review status: criteria provided, multiple submitters, no conflicts (2 of 4 stars). 2 submissions from 2 submitters: Likely benign (2). Last evaluated 2024-09-01.

Conditions:
Perlman syndrome (PRLMNS). Identifiers: Orphanet 2849, MedGen C0796113, MONDO:0009965, OMIM 267000.

Allele frequency attached by ClinVar (database versions not stated): TOPMed below 0.00001; gnomAD exomes 0.00001.
gnomAD v4.1: 10 of 1,324,930 alleles (0.00075%); highest among the groups gnomAD compares: South Asian, 0.0098%; no homozygotes.

Submissions (2):

CeGaT Center for Human Genetics Tuebingen
Classification: Likely benign. Last evaluated: 2024-09-01. Review status: criteria provided, single submitter. Criteria: CeGaT Center For Human Genetics Tuebingen Variant Classification Criteria Version 2. Collection method: clinical testing. Allele origin: germline. Affected: yes. Observed: 1 variant allele.
Comment: DIS3L2: BP4, BP7

Labcorp Genetics (formerly Invitae), Labcorp
Classification: Likely benign for Perlman syndrome. Last evaluated: 2024-08-28. Review status: criteria provided, single submitter. Criteria: Invitae Variant Classification Sherloc (09022015). Collection method: clinical testing. Allele origin: germline.

NM_152383.5(DIS3L2):c.1743C>T (p.Leu581=)

Gene: DIS3L2 (DIS3 like 3'-5' exoribonuclease 2; plus strand). Cytogenetic location: 2q37.1.
Variant type: single nucleotide variant.
Coding change: c.1743C>T on transcript NM_152383.5 (MANE Select); coding-DNA position 1743, C replaced by T.
Protein change: p.Leu581=; no amino-acid change (leucine 581 retained).
Molecular consequence: synonymous variant. On other transcripts: intron variant (1).
Genome position (GRCh38, 1-based): chr2:232,329,816, C>T. VCF-style: chr2-232329816-C-T. GRCh37 (hg19) VCF-style: chr2-233194526-C-T.
Other names: c.1582-13529C>T (NM_001257281.2).
Identifiers: ClinVar variation 1155323 (VCV001155323.23), dbSNP rs1277796466, ClinGen allele CA431777214.